The following is an entry in ClinVar:

NM_001105206.3(LAMA4):c.5442C>T (p.Ala1814=)

Gene: LAMA4 (laminin subunit alpha 4; minus strand). Cytogenetic location: 6q21.
Variant type: single nucleotide variant.
Coding change: c.5442C>T on transcript NM_001105206.3 (MANE Select); coding-DNA position 5442, C replaced by T.
Protein change: p.Ala1814=; no amino-acid change (alanine 1814 retained).
Molecular consequence: synonymous variant.
Genome position (GRCh38, 1-based): chr6:112,109,467, G>A on the plus strand (C>T on the coding strand, the complement: LAMA4 is on the minus strand). VCF-style: chr6-112109467-G-A. GRCh37 (hg19) VCF-style: chr6-112430670-G-A.
Other names: c.5421C>T, p.Ala1807= (NM_001105207.3, NM_002290.5).
Identifiers: ClinVar variation 178047 (VCV000178047.24), dbSNP rs200300118, ClinGen allele CA181280.

ClinVar aggregate classification (germline): Benign/Likely benign. Review status: criteria provided, multiple submitters, no conflicts (2 of 4 stars). 6 submissions from 6 submitters: Benign (1); Likely benign (4). 1 of the submissions does not count toward it. Last evaluated 2026-05-25.

Conditions:
LAMA4-related disorder. Also called: LAMA4-related condition.
Cardiovascular phenotype. Identifiers: MedGen CN230736.
Dilated cardiomyopathy 1JJ (CMD1JJ). Identifiers: Orphanet 154, MedGen C3808935, MONDO:0014095, OMIM 615235.

Allele frequency attached by ClinVar (database versions not stated): gnomAD 0.00009 and 0.00013; ESP Exome Variant Server 0.00015; TOPMed 0.00015; gnomAD exomes 0.00025; ExAC 0.00031.
gnomAD v4.1: 335 of 1,613,988 alleles (0.021%); highest among the groups gnomAD compares: South Asian, 0.025%; no homozygotes.

Submissions (6):

Women's Health and Genetics/Laboratory Corporation of America, LabCorp
Classification: Benign. Last evaluated: 2026-05-25. Review status: criteria provided, single submitter. Criteria: LabCorp Variant Classification Summary - May 2015. Collection method: clinical testing. Allele origin: germline.

Labcorp Genetics (formerly Invitae), Labcorp
Classification: Likely benign for Dilated cardiomyopathy 1JJ. Last evaluated: 2025-11-30. Review status: criteria provided, single submitter. Criteria: Invitae Variant Classification Sherloc (09022015). Collection method: clinical testing. Allele origin: germline.

CeGaT Center for Human Genetics Tuebingen
Classification: Likely benign. Last evaluated: 2025-10-01. Review status: criteria provided, single submitter. Criteria: CeGaT Center For Human Genetics Tuebingen Variant Classification Criteria Version 2. Collection method: clinical testing. Allele origin: germline. Affected: yes. Observed: 1 variant allele.
Comment: LAMA4: BP4, BP7

Ambry Genetics
Classification: Likely benign for Cardiovascular phenotype. Last evaluated: 2019-06-06. Review status: criteria provided, single submitter. Criteria: Ambry Variant Classification Scheme 2023. Collection method: clinical testing. Allele origin: germline.

Laboratory for Molecular Medicine, Mass General Brigham Personalized Medicine
Classification: Likely benign. Last evaluated: 2012-03-19. Review status: criteria provided, single submitter. Criteria: LMM Criteria. Collection method: clinical testing. Allele origin: germline. Observed: 2 variant alleles.
Comment: Ala1807Ala in exon 39 of LAMA4: This variant is not expected to have clinical si gnificance because it does not alter an amino acid residue and is not located wi thin the splice consensus sequence. It has been identified in 2/7020 European Am erican chromosomes from a broad population by the NHLBI Exome Sequencing Project. Ala1807Ala in exon 39 of LAMA4 (allele fre quency = 2/7020) **

PreventionGenetics, part of Exact Sciences
Classification: Likely benign for LAMA4-related condition. Last evaluated: 2024-01-08. Review status: no assertion criteria provided. Collection method: clinical testing. Allele origin: germline. Not counted in ClinVar's aggregate classification.
Comment: This variant is classified as likely benign based on ACMG/AMP sequence variant interpretation guidelines (Richards et al. 2015 PMID: 25741868, with internal and published modifications).